The following is an entry in ClinVar:

ClinVar aggregate classification (germline): Conflicting classifications of pathogenicity. Review status: criteria provided, conflicting classifications (1 of 4 stars). 2 submissions from 2 submitters: Likely pathogenic (1); Uncertain significance (1). Last evaluated 2026-01-22.

Conditions:
Hereditary spastic paraplegia 4. Also called: Spastic Paraplegia 4; Spastic paraplegia 4, autosomal dominant; Familial spastic paraplegia autosomal dominant 2. Identifiers: Orphanet 100985, MedGen C1866855, MONDO:0008438, OMIM 182601.

Submissions (2):

Variantyx, Inc.
Classification: Likely pathogenic for Hereditary spastic paraplegia 4. Last evaluated: 2026-01-22. Review status: criteria provided, single submitter. Criteria: Variantyx Assertion Criteria 2022. Collection method: clinical testing. Allele origin: de novo. Inheritance: Autosomal dominant inheritance. Affected: yes.
Comment: This is a nonsynonymous variant in the SPAST gene (OMIM: 604277). Pathogenic variants in this gene have been associated with autosomal dominant spastic paraplegia 4. The variant lies within a known hotspot for pathogenic variants or a well-established critical functional domain of the SPAST protein (PMID: 28572275) (PM1), and multiple computational algorithms predict a deleterious effect for this variant (REVEL score: 0.944) (PP3). This variant is absent from control populations (PM2) and it has not been reported in individuals with SPAST-related disorders in the databases available for review. Based on the current evidence, this variant is classified as likely pathogenic for autosomal dominant spastic paraplegia 4.

Labcorp Genetics (formerly Invitae), Labcorp
Classification: Uncertain significance for Hereditary spastic paraplegia 4. Last evaluated: 2026-01-02. Review status: criteria provided, single submitter. Criteria: Invitae Variant Classification Sherloc (09022015). Collection method: clinical testing. Allele origin: germline.
Comment: This sequence change replaces aspartic acid, which is acidic and polar, with alanine, which is neutral and non-polar, at codon 493 of the SPAST protein (p.Asp493Ala). This variant is not present in population databases (gnomAD no frequency). This variant has not been reported in the literature in individuals affected with SPAST-related conditions. Invitae Evidence Modeling of protein sequence and biophysical properties (such as structural, functional, and spatial information, amino acid conservation, physicochemical variation, residue mobility, and thermodynamic stability) indicates that this missense variant is expected to disrupt SPAST protein function with a positive predictive value of 80%. This variant disrupts the p.Asp493 amino acid residue in SPAST. Other variant(s) that disrupt this residue have been observed in individuals with SPAST-related conditions (PMID: 16682546, 28778789, 31751864), which suggests that this may be a clinically significant amino acid residue. In summary, the available evidence is currently insufficient to determine the role of this variant in disease. Therefore, it has been classified as a Variant of Uncertain Significance.

Literature cited by the submitters: PubMed 28572275 (cited by Variantyx, Inc.); PubMed 16682546 (cited by Labcorp Genetics (formerly Invitae), Labcorp); PubMed 28778789 (cited by Labcorp Genetics (formerly Invitae), Labcorp); PubMed 31751864 (cited by Labcorp Genetics (formerly Invitae), Labcorp).

NM_014946.4(SPAST):c.1478A>C (p.Asp493Ala)

Gene: SPAST (spastin; plus strand). Cytogenetic location: 2p22.3.
Variant type: single nucleotide variant.
Coding change: c.1478A>C on transcript NM_014946.4 (MANE Select); coding-DNA position 1478, A replaced by C.
Protein change: p.Asp493Ala; replaces aspartic acid 493 with alanine.
Molecular consequence: missense variant.
Genome position (GRCh38, 1-based): chr2:32,137,173, A>C. VCF-style: chr2-32137173-A-C. GRCh37 (hg19) VCF-style: chr2-32362242-A-C.
Other names: c.1382A>C, p.Asp461Ala (NM_199436.2, NM_001377959.1); c.1475A>C, p.Asp492Ala (NM_001363823.2); c.1379A>C, p.Asp460Ala (NM_001363875.2); short protein forms D461A, D493A, D492A, D460A.
Identifiers: ClinVar variation 4745284 (VCV004745284.2).